The following is an entry in ClinVar:

NM_000077.5(CDKN2A):c.151-1106A>C

Gene: CDKN2A (cyclin dependent kinase inhibitor 2A; minus strand). Cytogenetic location: 9p21.3.
Variant type: single nucleotide variant.
Coding change: c.151-1106A>C on transcript NM_000077.5 (MANE Select); 1106 bases into the intron before coding-DNA position 151, A replaced by C.
Molecular consequence: intron variant.
Genome position (GRCh38, 1-based): chr9:21,972,314, T>G on the plus strand (A>C on the coding strand, the complement: CDKN2A is on the minus strand). VCF-style: chr9-21972314-T-G. GRCh37 (hg19) VCF-style: chr9-21972313-T-G.
Other names: c.-3-1106A>C (NM_001363763.2); c.194-1106A>C (NM_058195.4); c.151-1106A>C (NM_001195132.2); c.*74-1106A>C (NM_058197.5).
Identifiers: ClinVar variation 3054070 (VCV003054070.2), dbSNP rs2489282114, ClinGen allele CA2740095434.

ClinVar aggregate classification (germline): Likely benign (0 of 4 stars; one submission).

Conditions:
CDKN2A-related disorder. Also called: CDKN2A-related condition.

Submission:

PreventionGenetics, part of Exact Sciences
Classification: Likely benign for CDKN2A-related condition. Last evaluated: 2023-03-17. Review status: no assertion criteria provided. Collection method: clinical testing. Allele origin: germline.
Comment: This variant is classified as likely benign based on ACMG/AMP sequence variant interpretation guidelines (Richards et al. 2015 PMID: 25741868, with internal and published modifications).